The following is an entry in ClinVar:

NM_206933.4(USH2A):c.10826G>T (p.Ser3609Ile)

Gene: USH2A (usherin; minus strand). Cytogenetic location: 1q41.
Variant type: single nucleotide variant.
Coding change: c.10826G>T on transcript NM_206933.4 (MANE Select); coding-DNA position 10826, G replaced by T.
Protein change: p.Ser3609Ile; replaces serine 3609 with isoleucine.
Molecular consequence: missense variant.
Genome position (GRCh38, 1-based): chr1:215,779,956, C>A on the plus strand (G>T on the coding strand, the complement: USH2A is on the minus strand). VCF-style: chr1-215779956-C-A. GRCh37 (hg19) VCF-style: chr1-215953298-C-A.
Other names: short protein forms S3609I.
Identifiers: ClinVar variation 177745 (VCV000177745.26), dbSNP rs727504307, ClinGen allele CA180688.

ClinVar aggregate classification (germline): Conflicting classifications of pathogenicity. Review status: criteria provided, conflicting classifications (1 of 4 stars). 8 submissions from 8 submitters: Uncertain significance (6); Likely benign (1). 1 of the submissions does not count toward it. Last evaluated 2025-12-17.

Conditions:
Inborn genetic diseases. Identifiers: MedGen C0950123, MeSH D030342.
Usher syndrome type 2A. Also called: RETINAL DISEASE IN USHER SYNDROME TYPE IIA, MODIFIER OF; USHER SYNDROME, TYPE IIA. Identifiers: Orphanet 231178, Orphanet 886, MedGen C1848634, MONDO:0010169, OMIM 276901.

Allele frequency attached by ClinVar (database versions not stated): TOPMed 0.00002; ExAC 0.00005; gnomAD exomes 0.00005 and 0.00009.
gnomAD v4.1: 28 of 1,614,170 alleles (0.0017%); highest among the groups gnomAD compares: Admixed American, 0.047%; 1 homozygote.

Submissions (8):

Labcorp Genetics (formerly Invitae), Labcorp
Classification: Likely benign. Last evaluated: 2025-12-17. Review status: criteria provided, single submitter. Criteria: Invitae Variant Classification Sherloc (09022015). Collection method: clinical testing. Allele origin: germline.

GeneDx
Classification: Uncertain significance. Last evaluated: 2025-07-23. Review status: criteria provided, single submitter. Criteria: GeneDx Variant Classification Process June 2021. Collection method: clinical testing. Allele origin: germline. Affected: yes.
Comment: In silico analysis supports that this missense variant has a deleterious effect on protein structure/function; Has not been previously published as pathogenic or benign to our knowledge

Revvity Omics, Revvity
Classification: Uncertain significance. Last evaluated: 2025-04-04. Review status: criteria provided, single submitter. Criteria: ACMG Guidelines, 2015. Collection method: clinical testing. Allele origin: germline.

Blueprint Genetics
Classification: Uncertain significance. Last evaluated: 2024-03-28. Review status: criteria provided, single submitter. Criteria: ACMG Guidelines, 2015. Collection method: clinical testing. Allele origin: germline.

Ambry Genetics
Classification: Uncertain significance for Inborn genetic diseases. Last evaluated: 2024-01-30. Review status: criteria provided, single submitter. Criteria: Ambry Variant Classification Scheme 2023. Collection method: clinical testing. Allele origin: germline.

Eurofins Ntd Llc (ga)
Classification: Uncertain significance. Last evaluated: 2018-03-27. Review status: criteria provided, single submitter. Criteria: EGL ClinVar v180209 classification definitions. Collection method: clinical testing. Allele origin: germline. Observed: 1 variant allele, 1 heterozygote.

Laboratory for Molecular Medicine, Mass General Brigham Personalized Medicine
Classification: Uncertain significance. Last evaluated: 2015-09-03. Review status: criteria provided, single submitter. Criteria: LMM Criteria. Collection method: clinical testing. Allele origin: germline. Observed: 2 variant alleles.
Comment: Variant classified as Uncertain Significance - Favor Benign. The Serine (Ser) a t position 3609 is not conserved in mammals or evolutionary distant species, and 2 mammals (horse and platypus) carry an isoleucine (Ile) at this position, rais ing the possibility that this change may be tolerated. Additional computational prediction tools suggest that the p.Ser3609Ile variant may not impact the protei n, though this information is not predictive enough to rule out pathogenicity. I n summary, while the clinical significance of the p.Ser3609Ile variant is uncert ain, these data suggest that it is more likely to be benign.

Natera, Inc.
Classification: Uncertain significance for Usher syndrome type 2A. Last evaluated: 2020-09-16. Review status: no assertion criteria provided. Collection method: clinical testing. Allele origin: germline. Not counted in ClinVar's aggregate classification.